The following is an entry in ClinVar:

ClinVar aggregate classification (germline): Uncertain significance (1 of 4 stars; one submission).

Conditions:
Inborn genetic diseases. Identifiers: MedGen C0950123, MeSH D030342.

Allele frequency attached by ClinVar (database versions not stated): TOPMed 0.00014; gnomAD exomes 0.00017; ExAC 0.00017; ESP Exome Variant Server 0.00033; gnomAD 0.00016.
gnomAD v4.1: 292 of 1,613,150 alleles (0.018%); highest among the groups gnomAD compares: Non-Finnish European, 0.023%; no homozygotes.

Submission:

Ambry Genetics
Classification: Uncertain significance for Inborn genetic diseases. Last evaluated: 2013-08-28. Review status: criteria provided, single submitter. Criteria: Ambry Autosomal Dominant and X-Linked criteria (10/2015). Collection method: clinical testing. Allele origin: germline. Observed: 1 variant allele.
Comment: There is insufficient or conflicting evidence for classification of this alteration.

NM_001004439.2(ITGA11):c.3443G>T (p.Ser1148Ile)

Gene: ITGA11 (integrin subunit alpha 11; minus strand). Cytogenetic location: 15q23.
Variant type: single nucleotide variant.
Coding change: c.3443G>T on transcript NM_001004439.2 (MANE Select); coding-DNA position 3443, G replaced by T.
Protein change: p.Ser1148Ile; replaces serine 1148 with isoleucine.
Molecular consequence: missense variant.
Genome position (GRCh38, 1-based): chr15:68,303,824, C>A on the plus strand (G>T on the coding strand, the complement: ITGA11 is on the minus strand). VCF-style: chr15-68303824-C-A. GRCh37 (hg19) VCF-style: chr15-68596162-C-A.
Other names: short protein forms S1148I.
Identifiers: ClinVar variation 224996 (VCV000224996.3), dbSNP rs200576562, ClinGen allele CA358189.